The following is an entry in ClinVar:

NM_004380.3(CREBBP):c.2068G>T (p.Ala690Ser)

Gene: CREBBP (CREB binding lysine acetyltransferase; minus strand). Cytogenetic location: 16p13.3.
Variant type: single nucleotide variant.
Coding change: c.2068G>T on transcript NM_004380.3 (MANE Select); coding-DNA position 2068, G replaced by T.
Protein change: p.Ala690Ser; replaces alanine 690 with serine.
Molecular consequence: missense variant.
Genome position (GRCh38, 1-based): chr16:3,778,056, C>A on the plus strand (G>T on the coding strand, the complement: CREBBP is on the minus strand). VCF-style: chr16-3778056-C-A. GRCh37 (hg19) VCF-style: chr16-3828057-C-A.
Other names: c.1954G>T, p.Ala652Ser (NM_001079846.1); short protein forms A690S, A652S.
Identifiers: ClinVar variation 133945 (VCV000133945.33), dbSNP rs531539047, ClinGen allele CA158209.

ClinVar aggregate classification (germline): Benign/Likely benign. Review status: criteria provided, multiple submitters, no conflicts (2 of 4 stars). 6 submissions from 6 submitters: Benign (1); Likely benign (3). 2 of the submissions do not count toward it. Last evaluated 2026-07-01.

Conditions:
Rubinstein-Taybi syndrome (RSTS). Identifiers: Orphanet 783, MedGen C0035934, MONDO:0019188.
CREBBP-related disorder. Also called: CREBBP-related disorders; CREBBP-related condition.
Inborn genetic diseases. Identifiers: MedGen C0950123, MeSH D030342.

Allele frequency attached by ClinVar (database versions not stated): TOPMed 0.00001; 1000 Genomes Project 0.00120; 1000 Genomes Project 30x 0.00125.
gnomAD v4.1: 438 of 1,614,160 alleles (0.027%); highest among the groups gnomAD compares: South Asian, 0.44%; 3 homozygotes.

Submissions (6):

CeGaT Center for Human Genetics Tuebingen
Classification: Likely benign. Last evaluated: 2026-07-01. Review status: criteria provided, single submitter. Criteria: CeGaT Center For Human Genetics Tuebingen Variant Classification Criteria Version 2. Collection method: clinical testing. Allele origin: germline. Affected: yes. Observed: 2 variant alleles.
Comment: CREBBP: PP2, BP4, BS1

Labcorp Genetics (formerly Invitae), Labcorp
Classification: Benign for Rubinstein-Taybi syndrome. Last evaluated: 2025-09-29. Review status: criteria provided, single submitter. Criteria: Invitae Variant Classification Sherloc (09022015). Collection method: clinical testing. Allele origin: germline.

Blueprint Genetics
Classification: Likely benign. Last evaluated: 2024-11-04. Review status: criteria provided, single submitter. Criteria: ACMG Guidelines, 2015. Collection method: clinical testing. Allele origin: germline.

Ambry Genetics
Classification: Likely benign for Inborn genetic diseases. Last evaluated: 2018-03-21. Review status: criteria provided, single submitter. Criteria: Ambry Variant Classification Scheme 2023. Collection method: clinical testing. Allele origin: germline.

PreventionGenetics, part of Exact Sciences
Classification: Benign for CREBBP-related condition. Last evaluated: 2019-06-17. Review status: no assertion criteria provided. Collection method: clinical testing. Allele origin: germline. Not counted in ClinVar's aggregate classification.
Comment: This variant is classified as benign based on ACMG/AMP sequence variant interpretation guidelines (Richards et al. 2015 PMID: 25741868, with internal and published modifications).

ITMI
No classification provided. Condition: AllHighlyPenetrant. Last evaluated: 2013-09-19. Review status: no classification provided. Collection method: reference population. Allele origin: germline. Not counted in ClinVar's aggregate classification.
Comment: Please see associated publication for description of ethnicities

Literature cited by the submitters: PubMed 24728327 (cited by ITMI).